The following is an entry in ClinVar:

NM_004863.4(SPTLC2):c.10G>C (p.Glu4Gln)

Gene: SPTLC2 (serine palmitoyltransferase long chain base subunit 2; minus strand). Cytogenetic location: 14q24.3.
Variant type: single nucleotide variant.
Coding change: c.10G>C on transcript NM_004863.4 (MANE Select); coding-DNA position 10, G replaced by C.
Protein change: p.Glu4Gln; replaces glutamic acid 4 with glutamine.
Molecular consequence: missense variant.
Genome position (GRCh38, 1-based): chr14:77,616,570, C>G on the plus strand (G>C on the coding strand, the complement: SPTLC2 is on the minus strand). VCF-style: chr14-77616570-C-G. GRCh37 (hg19) VCF-style: chr14-78082913-C-G.
Other names: short protein forms E4Q.
Identifiers: ClinVar variation 2174511 (VCV002174511.4), dbSNP rs2503570749, ClinGen allele CA390712761.
Genomic context (GRCh38, chr14:77,616,570, plus strand): 5'-CCCCGTTCGCCACGCAGCCATTCGCCCGCACCGTGCGGCGGCAGCAGCAGCCTCCGGGCT[C>G]CGGCCGCATCTTCCTGGCAGCACCAGGCGCAAGGCAGGCTCTGTAGGCGGTGGCAGCGGC-3'
Protein context (NP_004854.1, residues 1-14): MRP[Glu4Gln]PGGCCCRRTV

ClinVar aggregate classification (germline): Uncertain significance (1 of 4 stars; one submission).

Conditions:
Neuropathy, hereditary sensory and autonomic, type 1C. Also called: HSAN IC; HSN IC. Identifiers: Orphanet 36386, MedGen C3150896, MONDO:0013337, OMIM 613640.

gnomAD v4.1: 2 of 1,537,996 alleles (0.00013%); highest among the groups gnomAD compares: Middle Eastern, 0.017%; no homozygotes.

Submission:

Labcorp Genetics (formerly Invitae), Labcorp
Classification: Uncertain significance for Neuropathy, hereditary sensory and autonomic, type 1C. Last evaluated: 2022-07-08. Review status: criteria provided, single submitter. Criteria: Invitae Variant Classification Sherloc (09022015). Collection method: clinical testing. Allele origin: germline.
Comment: This sequence change replaces glutamic acid, which is acidic and polar, with glutamine, which is neutral and polar, at codon 4 of the SPTLC2 protein (p.Glu4Gln). This variant is not present in population databases (gnomAD no frequency). This variant has not been reported in the literature in individuals affected with SPTLC2-related conditions. Algorithms developed to predict the effect of missense changes on protein structure and function (SIFT, PolyPhen-2, Align-GVGD) all suggest that this variant is likely to be tolerated. In summary, the available evidence is currently insufficient to determine the role of this variant in disease. Therefore, it has been classified as a Variant of Uncertain Significance.